The following is an entry in ClinVar:

ClinVar aggregate classification (germline): Uncertain significance (1 of 4 stars; one submission).

Conditions:
Inborn genetic diseases. Identifiers: MedGen C0950123, MeSH D030342.

gnomAD v4.1: 1 of 1,613,962 alleles (0.000062%); highest among the groups gnomAD compares: Non-Finnish European, 0.000085%; no homozygotes.

Submission:

Ambry Genetics
Classification: Uncertain significance for Inborn genetic diseases. Last evaluated: 2025-09-29. Review status: criteria provided, single submitter. Criteria: Ambry Variant Classification Scheme 2023. Collection method: clinical testing. Allele origin: germline.
Comment: The p.I125L variant (also known as c.373A>C), located in coding exon 3 of the G6PC3 gene, results from an A to C substitution at nucleotide position 373. The isoleucine at codon 125 is replaced by leucine, an amino acid with highly similar properties. This amino acid position is conserved. In addition, this alteration is predicted to be tolerated by in silico analysis. Based on the available evidence, the clinical significance of this variant remains unclear.

NM_138387.4(G6PC3):c.373A>C (p.Ile125Leu)

Gene: G6PC3 (glucose-6-phosphatase catalytic subunit 3; plus strand). Cytogenetic location: 17q21.31.
Variant type: single nucleotide variant.
Coding change: c.373A>C on transcript NM_138387.4 (MANE Select); coding-DNA position 373, A replaced by C.
Protein change: p.Ile125Leu; replaces isoleucine 125 with leucine.
Molecular consequence: missense variant.
Genome position (GRCh38, 1-based): chr17:44,074,727, A>C. VCF-style: chr17-44074727-A-C. GRCh37 (hg19) VCF-style: chr17-42152095-A-C.
Other names: c.373A>C, p.Ile125Leu (NM_001319945.2); c.28A>C, p.Ile10Leu (NM_001384165.1, NM_001384166.1, NM_001384167.1 and 1 more transcripts); short protein forms I10L, I125L.
Identifiers: ClinVar variation 4620490 (VCV004620490.1).